The following is an entry in ClinVar:

NM_000069.3(CACNA1S):c.3761G>A (p.Arg1254Gln)

Gene: CACNA1S (calcium voltage-gated channel subunit alpha1 S; minus strand). Cytogenetic location: 1q32.1.
Variant type: single nucleotide variant.
Coding change: c.3761G>A on transcript NM_000069.3 (MANE Select); coding-DNA position 3761, G replaced by A.
Protein change: p.Arg1254Gln; replaces arginine 1254 with glutamine.
Molecular consequence: missense variant.
Genome position (GRCh38, 1-based): chr1:201,053,493, C>T on the plus strand (G>A on the coding strand, the complement: CACNA1S is on the minus strand). VCF-style: chr1-201053493-C-T. GRCh37 (hg19) VCF-style: chr1-201022621-C-T.
Other names: p.Arg1254Gln; short protein forms R1254Q.
Identifiers: ClinVar variation 541060 (VCV000541060.57), dbSNP rs530655602, ClinGen allele CA082807.
Genomic context (GRCh38, chr1:201,053,493, plus strand): 5'-TGCAGTTTCCAGGGTCCCTGTTGCACCTGGAAGGACTTGATGAACGTCCACAGGAGGGTT[C>T]GCACTCCTTCTGCCCGGCTCAGCAGCTTGATCAGCCTCATGACACGGAACAGGCGGAAGA-3'
Protein context (NP_000060.2, residues 1244-1264): IKLLSRAEGV[Arg1254Gln]TLLWTFIKSF

ClinVar aggregate classification (germline): Conflicting classifications of pathogenicity. Review status: criteria provided, conflicting classifications (1 of 4 stars). 7 submissions from 7 submitters: Uncertain significance (1); Benign (2); Likely benign (3). 1 of the submissions does not count toward it. Last evaluated 2025-12-03.

Conditions:
CACNA1S-related disorder. Also called: CACNA1S-related condition.
Inborn genetic diseases. Identifiers: MedGen C0950123, MeSH D030342.
Hypokalemic periodic paralysis, type 1. Also called: HypoPP; Hypokalemic Periodic Paralysis Type 1 (AD). Identifiers: Orphanet 681, MedGen C3714580, MONDO:0042979, OMIM 170400.
Malignant hyperthermia, susceptibility to, 5 (MHS5). Also called: CACNA1S-Related Malignant Hyperthermia Susceptibility. Identifiers: Orphanet 423, MedGen C1866077, MONDO:0011163, OMIM 601887.

Allele frequency attached by ClinVar (database versions not stated): TOPMed 0.00011; gnomAD 0.00019 and 0.00006; gnomAD exomes 0.00031 and 0.00066; ExAC 0.00077; 1000 Genomes Project 0.00140; 1000 Genomes Project 30x 0.00156.
gnomAD v4.1: 492 of 1,614,140 alleles (0.03%); highest among the groups gnomAD compares: South Asian, 0.34%; 5 homozygotes.

Submissions (7):

Labcorp Genetics (formerly Invitae), Labcorp
Classification: Benign for Hypokalemic periodic paralysis, type 1; Malignant hyperthermia, susceptibility to, 5. Last evaluated: 2025-12-03. Review status: criteria provided, single submitter. Criteria: Invitae Variant Classification Sherloc (09022015). Collection method: clinical testing. Allele origin: germline.

Mayo Clinic Laboratories, Mayo Clinic
Classification: Likely benign. Last evaluated: 2025-07-21. Review status: criteria provided, single submitter. Criteria: ACMG Guidelines, 2015. Collection method: clinical testing. Allele origin: germline. Observed: 1 variant allele.
Comment: BS1, BS2, PP3_strong

CeGaT Center for Human Genetics Tuebingen
Classification: Likely benign. Last evaluated: 2025-06-01. Review status: criteria provided, single submitter. Criteria: CeGaT Center For Human Genetics Tuebingen Variant Classification Criteria Version 2. Collection method: clinical testing. Allele origin: germline. Affected: yes. Observed: 3 variant alleles.
Comment: CACNA1S: PP3, BS1

Blueprint Genetics
Classification: Benign. Last evaluated: 2024-11-20. Review status: criteria provided, single submitter. Criteria: ACMG Guidelines, 2015. Collection method: clinical testing. Allele origin: germline.

Ambry Genetics
Classification: Uncertain significance for Inborn genetic diseases. Last evaluated: 2024-05-14. Review status: criteria provided, single submitter. Criteria: Ambry Variant Classification Scheme 2023. Collection method: clinical testing. Allele origin: germline.

Color Diagnostics, LLC DBA Color Health
Classification: Likely benign for Malignant hyperthermia, susceptibility to, 5. Last evaluated: 2022-11-06. Review status: criteria provided, single submitter. Criteria: ACMG Guidelines, 2015. Collection method: clinical testing. Allele origin: germline.

PreventionGenetics, part of Exact Sciences
Classification: Likely benign for CACNA1S-related condition. Last evaluated: 2020-03-10. Review status: no assertion criteria provided. Collection method: clinical testing. Allele origin: germline. Not counted in ClinVar's aggregate classification.
Comment: This variant is classified as likely benign based on ACMG/AMP sequence variant interpretation guidelines (Richards et al. 2015 PMID: 25741868, with internal and published modifications).

Literature cited by the submitters: PubMed 39347817 (cited by Mayo Clinic Laboratories, Mayo Clinic).